The following is an entry in ClinVar:

ClinVar aggregate classification (germline): Uncertain significance (1 of 4 stars; one submission).

Conditions:
Multiple congenital exostosis (EXT). Also called: MULTIPLE CARTILAGINOUS EXOSTOSES; Hereditary multiple osteochondromas; Hereditary multiple exostoses; Hereditary multiple exostosis; Multiple osteochondromas; Multiple exostoses. Identifiers: Orphanet 321, MedGen C0015306, MONDO:0005508, HP:0002762.

Submission:

Labcorp Genetics (formerly Invitae), Labcorp
Classification: Uncertain significance for Multiple congenital exostosis. Last evaluated: 2024-04-06. Review status: criteria provided, single submitter. Criteria: Invitae Variant Classification Sherloc (09022015). Collection method: clinical testing. Allele origin: germline.
Comment: This sequence change replaces serine, which is neutral and polar, with alanine, which is neutral and non-polar, at codon 102 of the EXT1 protein (p.Ser102Ala). This variant is not present in population databases (gnomAD no frequency). This variant has not been reported in the literature in individuals affected with EXT1-related conditions. Advanced modeling of protein sequence and biophysical properties (such as structural, functional, and spatial information, amino acid conservation, physicochemical variation, residue mobility, and thermodynamic stability) performed at Invitae indicates that this missense variant is not expected to disrupt EXT1 protein function with a negative predictive value of 80%. In summary, the available evidence is currently insufficient to determine the role of this variant in disease. Therefore, it has been classified as a Variant of Uncertain Significance.

NM_000127.3(EXT1):c.304T>G (p.Ser102Ala)

Gene: EXT1 (exostosin glycosyltransferase 1; minus strand). Cytogenetic location: 8q24.11.
Variant type: single nucleotide variant.
Coding change: c.304T>G on transcript NM_000127.3 (MANE Select); coding-DNA position 304, T replaced by G.
Protein change: p.Ser102Ala; replaces serine 102 with alanine.
Molecular consequence: missense variant.
Genome position (GRCh38, 1-based): chr8:118,110,743, A>C on the plus strand (T>G on the coding strand, the complement: EXT1 is on the minus strand). VCF-style: chr8-118110743-A-C. GRCh37 (hg19) VCF-style: chr8-119122982-A-C.
Other names: short protein forms S102A.
Identifiers: ClinVar variation 3645869 (VCV003645869.2).